The following is an entry in ClinVar:

NM_000194.3(HPRT1):c.486-3C>G

Gene: HPRT1 (hypoxanthine phosphoribosyltransferase 1; plus strand). Cytogenetic location: Xq26.2.
Variant type: single nucleotide variant.
Coding change: c.486-3C>G on transcript NM_000194.3 (MANE Select); 3 bases into the intron before coding-DNA position 486, C replaced by G.
Molecular consequence: intron variant.
Genome position (GRCh38, 1-based): chrX:134,498,387, C>G. VCF-style: chrX-134498387-C-G. GRCh37 (hg19) VCF-style: chrX-133632417-C-G.
Identifiers: ClinVar variation 1039442 (VCV001039442.9), dbSNP rs2077687093, ClinGen allele CA2459744881.

ClinVar aggregate classification (germline): Pathogenic (1 of 4 stars; one submission).

Conditions:
Lesch-Nyhan syndrome (LNS). Also called: Lesch-Nyhan Disease (LND); HPRT DEFICIENCY, COMPLETE. Identifiers: Orphanet 510, MedGen C0023374, MONDO:0010298, OMIM 300322.
Partial hypoxanthine-guanine phosphoribosyltransferase deficiency. Also called: GOUT, HPRT-RELATED; HPRT DEFICIENCY, PARTIAL; HYPOXANTHINE GUANINE PHOSPHORIBOSYLTRANSFERASE 1 DEFICIENCY, PARTIAL; Kelley-Seegmiller Syndrome; HPRT1 DEFICIENCY, PARTIAL. Identifiers: Orphanet 79233, MedGen C0268117, MONDO:0010299, OMIM 300323.

Submission:

Labcorp Genetics (formerly Invitae), Labcorp
Classification: Pathogenic for Lesch-Nyhan syndrome; Partial hypoxanthine-guanine phosphoribosyltransferase deficiency. Last evaluated: 2024-03-04. Review status: criteria provided, single submitter. Criteria: Invitae Variant Classification Sherloc (09022015). Collection method: clinical testing. Allele origin: germline.
Comment: This sequence change falls in intron 6 of the HPRT1 gene. It does not directly change the encoded amino acid sequence of the HPRT1 protein. It affects a nucleotide within the consensus splice site. This variant is not present in population databases (gnomAD no frequency). This variant has been observed in individual(s) with Lesch Nyhan syndrome (PMID: 23975452; Invitae). ClinVar contains an entry for this variant (Variation ID: 1039442). Variants that disrupt the consensus splice site are a relatively common cause of aberrant splicing (PMID: 17576681, 9536098). Algorithms developed to predict the effect of sequence changes on RNA splicing suggest that this variant may disrupt the consensus splice site. For these reasons, this variant has been classified as Pathogenic.

Literature cited by the submitters: PubMed 23975452; PubMed 17576681; PubMed 9536098.